The following is an entry in ClinVar:

ClinVar aggregate classification (germline): Uncertain significance (1 of 4 stars; one submission).

Submission:

Labcorp Genetics (formerly Invitae), Labcorp
Classification: Uncertain significance. Last evaluated: 2022-06-13. Review status: criteria provided, single submitter. Criteria: Invitae Variant Classification Sherloc (09022015). Collection method: clinical testing. Allele origin: germline.
Comment: In summary, the available evidence is currently insufficient to determine the role of this variant in disease. Therefore, it has been classified as a Variant of Uncertain Significance. This variant has not been reported in the literature in individuals affected with JAK1-related conditions. This variant is not present in population databases (gnomAD no frequency). This sequence change creates a premature translational stop signal (p.Lys768Glnfs*8) in the JAK1 gene. It is expected to result in an absent or disrupted protein product. However, the current clinical and genetic evidence is not sufficient to establish whether loss-of-function variants in JAK1 cause disease.

NM_002227.4(JAK1):c.2301dup (p.Lys768fs)

Gene: JAK1 (Janus kinase 1; minus strand). Cytogenetic location: 1p31.3.
Variant type: Duplication.
Coding change: c.2301dup on transcript NM_002227.4 (MANE Select); coding-DNA position 2301, one base duplicated (C; older notation c.2301dupC).
Protein change: p.Lys768fs; shifts the reading frame from lysine 768.
Molecular consequence: frameshift variant.
Genome position (GRCh38, 1-based): chr1:64,844,166, G duplicated on the plus strand (C on the coding strand, the reverse complement: JAK1 is on the minus strand); the first of 2 consecutive G bases (chr1:64,844,166-64,844,167); duplicating either gives the same sequence. VCF-style (leftmost placement, unchanged base first): chr1-64844165-T-TG. GRCh37 (hg19) VCF-style: chr1-65309848-T-TG.
Other names: c.2301dup, p.Lys768fs (NM_001320923.2, NM_001321852.2, NM_001321853.2 and 3 more transcripts); c.2298dup, p.Lys767fs (NM_001321857.2); short protein forms K767fs, K768fs.
Identifiers: ClinVar variation 1482883 (VCV001482883.6), dbSNP rs2100990202, ClinGen allele CA2573132554.